The following is an entry in ClinVar:

ClinVar aggregate classification (germline): Benign. Review status: criteria provided, multiple submitters, no conflicts (2 of 4 stars). 3 submissions from 3 submitters: Benign (2). 1 of the submissions does not count toward it. Last evaluated 2026-01-19.

Conditions:
Jeune thoracic dystrophy. Also called: Short-rib thoracic dysplasia; Jeune syndrome; Infantile thoracic dystrophy; Thoracic pelvic phalangeal dystrophy; Jeune's syndrome; Chondroectodermal dysplasia-like syndrome. Identifiers: Orphanet 474, MedGen C0265275, MONDO:0018770.
Asphyxiating thoracic dystrophy 2 (SRTD2). Also called: SHORT-RIB THORACIC DYSPLASIA 2 WITH OR WITHOUT POLYDACTYLY; SHORT-RIB THORACIC DYSPLASIA 2 WITH POLYDACTYLY; SHORT-RIB THORACIC DYSPLASIA 2 WITHOUT POLYDACTYLY. Identifiers: Orphanet 474, MedGen C1970005, MONDO:0012644, OMIM 611263.
IFT80-related disorder. Also called: IFT80-related condition.

Allele frequency attached by ClinVar (database versions not stated): gnomAD exomes 0.00044 and 0.00115; ExAC 0.00130; gnomAD 0.00450 and 0.00485; 1000 Genomes Project 0.00479; TOPMed 0.00482; ESP Exome Variant Server 0.00492; 1000 Genomes Project 30x 0.00531.
gnomAD v4.1: 1,349 of 1,613,266 alleles (0.084%); highest among the groups gnomAD compares: African/African-American, 1.6%; 17 homozygotes.

Submissions (3):

Labcorp Genetics (formerly Invitae), Labcorp
Classification: Benign for Jeune thoracic dystrophy. Last evaluated: 2026-01-19. Review status: criteria provided, single submitter. Criteria: Invitae Variant Classification Sherloc (09022015). Collection method: clinical testing. Allele origin: germline.

ARUP Laboratories, Molecular Genetics and Genomics, ARUP Laboratories
Classification: Benign for Asphyxiating thoracic dystrophy 2. Last evaluated: 2022-04-05. Review status: criteria provided, single submitter. Criteria: ARUP Molecular Germline Variant Investigation Process 2021. Collection method: clinical testing. Allele origin: germline.

PreventionGenetics, part of Exact Sciences
Classification: Benign for IFT80-related condition. Last evaluated: 2019-09-12. Review status: no assertion criteria provided. Collection method: clinical testing. Allele origin: germline. Not counted in ClinVar's aggregate classification.
Comment: This variant is classified as benign based on ACMG/AMP sequence variant interpretation guidelines (Richards et al. 2015 PMID: 25741868, with internal and published modifications).

NM_020800.3(IFT80):c.2139T>C (p.Asp713=)

Genes: TRIM59-IFT80 (TRIM59-IFT80 readthrough (NMD candidate); minus strand), IFT80 (intraflagellar transport 80; minus strand). Cytogenetic location: 3q25.33.
Variant type: single nucleotide variant.
Coding change: c.2139T>C on transcript NM_020800.3 (MANE Select); coding-DNA position 2139, T replaced by C.
Protein change: p.Asp713=; no amino-acid change (aspartic acid 713 retained).
Molecular consequence: synonymous variant. On other transcripts: non-coding transcript variant (3).
Genome position (GRCh38, 1-based): chr3:160,268,497, A>G on the plus strand (T>C on the coding strand, the complement: IFT80 is on the minus strand). VCF-style: chr3-160268497-A-G. GRCh37 (hg19) VCF-style: chr3-159986285-A-G.
Other names: c.1728T>C, p.Asp576= (NM_001190241.2, NM_001190242.2).
Identifiers: ClinVar variation 695284 (VCV000695284.15), dbSNP rs16831157, ClinGen allele CA2684955.